The following is an entry in ClinVar:

NM_004370.6(COL12A1):c.6959C>A (p.Ala2320Asp)

Gene: COL12A1 (collagen type XII alpha 1 chain; minus strand). Cytogenetic location: 6q13.
Variant type: single nucleotide variant.
Coding change: c.6959C>A on transcript NM_004370.6 (MANE Select); coding-DNA position 6959, C replaced by A.
Protein change: p.Ala2320Asp; replaces alanine 2320 with aspartic acid.
Molecular consequence: missense variant.
Genome position (GRCh38, 1-based): chr6:75,121,429, G>T on the plus strand (C>A on the coding strand, the complement: COL12A1 is on the minus strand). VCF-style: chr6-75121429-G-T. GRCh37 (hg19) VCF-style: chr6-75831145-G-T.
Other names: c.6959C>A, p.Ala2320Asp (NM_001424113.1); c.6938C>A, p.Ala2313Asp (NM_001424114.1); c.6686C>A, p.Ala2229Asp (NM_001424115.1); c.3467C>A, p.Ala1156Asp (NM_001424116.1, NM_080645.3); short protein forms A1156D, A2229D, A2313D, A2320D.
Identifiers: ClinVar variation 4782836 (VCV004782836.1).

ClinVar aggregate classification (germline): Uncertain significance (1 of 4 stars; one submission).

Conditions:
Ullrich congenital muscular dystrophy 2 (UCMD2). Identifiers: Orphanet 75840, MedGen C4225314, MONDO:0014654, OMIM 616470.
Bethlem myopathy 2 (BTHLM2). Identifiers: Orphanet 536516, Orphanet 610, MedGen C4225313, MONDO:0034022, OMIM 616471.

Submission:

Labcorp Genetics (formerly Invitae), Labcorp
Classification: Uncertain significance for Bethlem myopathy 2; Ullrich congenital muscular dystrophy 2. Last evaluated: 2025-08-26. Review status: criteria provided, single submitter. Criteria: Invitae Variant Classification Sherloc (09022015). Collection method: clinical testing. Allele origin: germline.
Comment: This sequence change replaces alanine, which is neutral and non-polar, with aspartic acid, which is acidic and polar, at codon 2320 of the COL12A1 protein (p.Ala2320Asp). This variant is not present in population databases (gnomAD no frequency). This variant has not been reported in the literature in individuals affected with COL12A1-related conditions. Invitae Evidence Modeling of protein sequence and biophysical properties (such as structural, functional, and spatial information, amino acid conservation, physicochemical variation, residue mobility, and thermodynamic stability) has been performed for this missense variant. However, the output from this modeling did not meet the statistical confidence thresholds required to predict the impact of this variant on COL12A1 protein function. In summary, the available evidence is currently insufficient to determine the role of this variant in disease. Therefore, it has been classified as a Variant of Uncertain Significance.